The following is an entry in ClinVar:

ClinVar aggregate classification (germline): Uncertain significance. Review status: criteria provided, multiple submitters, no conflicts (2 of 4 stars). 2 submissions from 2 submitters: Uncertain significance (2). Last evaluated 2025-12-22.

Allele frequency attached by ClinVar (database versions not stated): gnomAD 0.00001; gnomAD exomes 0.00001; TOPMed 0.00001.
gnomAD v4.1: 39 of 1,613,950 alleles (0.0024%); highest among the groups gnomAD compares: Middle Eastern, 0.016%; no homozygotes.

Submissions (2):

Labcorp Genetics (formerly Invitae), Labcorp
Classification: Uncertain significance. Last evaluated: 2025-12-22. Review status: criteria provided, single submitter. Criteria: Invitae Variant Classification Sherloc (09022015). Collection method: clinical testing. Allele origin: germline.
Comment: This sequence change replaces methionine, which is neutral and non-polar, with threonine, which is neutral and polar, at codon 24 of the CD46 protein (p.Met24Thr). The frequency data for this variant in the population databases is considered unreliable, as metrics indicate poor data quality at this position in the gnomAD database. This variant has not been reported in the literature in individuals affected with CD46-related conditions. ClinVar contains an entry for this variant (Variation ID: 1380033). An algorithm developed to predict the effect of missense changes on protein structure and function (PolyPhen-2) suggests that this variant is likely to be tolerated. In summary, the available evidence is currently insufficient to determine the role of this variant in disease. Therefore, it has been classified as a Variant of Uncertain Significance.

Ambry Genetics
Classification: Uncertain significance. Last evaluated: 2025-06-06. Review status: criteria provided, single submitter. Criteria: Ambry Variant Classification Scheme 2023. Collection method: clinical testing. Allele origin: germline.

NM_172351.3(CD46):c.71T>C (p.Met24Thr)

Genes: CD46 (CD46 molecule; plus strand), LOC129932405 (ATAC-STARR-seq lymphoblastoid active region 2449; plus strand). Cytogenetic location: 1q32.2.
Variant type: single nucleotide variant.
Coding change: c.71T>C on transcript NM_172351.3 (MANE Select); coding-DNA position 71, T replaced by C.
Protein change: p.Met24Thr; replaces methionine 24 with threonine.
Molecular consequence: missense variant.
Genome position (GRCh38, 1-based): chr1:207,752,283, T>C. VCF-style: chr1-207752283-T-C. GRCh37 (hg19) VCF-style: chr1-207925628-T-C.
Other names: c.71T>C, p.Met24Thr (NM_002389.4, NM_153826.4, NM_172350.3 and 8 more transcripts); short protein forms M24T.
Identifiers: ClinVar variation 1380033 (VCV001380033.10), dbSNP rs1295405623, ClinGen allele CA344547828.